The following is an entry in ClinVar:

ClinVar aggregate classification (germline): Uncertain significance. Review status: criteria provided, multiple submitters, no conflicts (2 of 4 stars). 2 submissions from 2 submitters: Uncertain significance (2). Last evaluated 2019-12-11.

Conditions:
Epilepsy, X-linked 1, with variable learning disabilities and behavior disorders. Also called: X-linked epilepsy-learning disabilities-behavior disorders syndrome. Identifiers: Orphanet 85294, MedGen C5774177, MONDO:0010339, OMIM 300491.

Allele frequency attached by ClinVar (database versions not stated): gnomAD exomes below 0.00001 and 0.00001; TOPMed 0.00001; gnomAD 0.00002; ExAC 0.00003.
gnomAD v4.1: 6 of 1,198,459 alleles (0.0005%); highest among the groups gnomAD compares: Non-Finnish European, 0.00067%; no homozygotes.

Submissions (2):

Labcorp Genetics (formerly Invitae), Labcorp
Classification: Uncertain significance for Epilepsy, X-linked 1, with variable learning disabilities and behavior disorders. Last evaluated: 2019-12-11. Review status: criteria provided, single submitter. Criteria: Invitae Variant Classification Sherloc (09022015). Collection method: clinical testing. Allele origin: germline.
Comment: This sequence change replaces isoleucine with valine at codon 384 of the SYN1 protein (p.Ile384Val). The isoleucine residue is highly conserved and there is a small physicochemical difference between isoleucine and valine. In summary, the available evidence is currently insufficient to determine the role of this variant in disease. Therefore, it has been classified as a Variant of Uncertain Significance. Algorithms developed to predict the effect of missense changes on protein structure and function are either unavailable or do not agree on the potential impact of this missense change (SIFT: "Deleterious"; PolyPhen-2: "Probably Damaging"; Align-GVGD: "Class C0"). This variant has not been reported in the literature in individuals with SYN1-related conditions. The frequency data for this variant in the population databases is considered unreliable, as metrics indicate poor data quality at this position in the ExAC database.

Institute of Human Genetics, University of Leipzig Medical Center
Classification: Uncertain significance for Epilepsy, X-linked 1, with variable learning disabilities and behavior disorders. Last evaluated: 2018-04-30. Review status: criteria provided, single submitter. Criteria: ACMG Guidelines, 2015. Collection method: clinical testing. Allele origin: germline. Affected: yes. Observed: 1 variant allele.

NM_006950.3(SYN1):c.1150A>G (p.Ile384Val)

Gene: SYN1 (synapsin I; minus strand). Cytogenetic location: Xp11.3.
Variant type: single nucleotide variant.
Coding change: c.1150A>G on transcript NM_006950.3 (MANE Select); coding-DNA position 1150, A replaced by G.
Protein change: p.Ile384Val; replaces isoleucine 384 with valine.
Molecular consequence: missense variant.
Genome position (GRCh38, 1-based): chrX:47,576,139, T>C on the plus strand (A>G on the coding strand, the complement: SYN1 is on the minus strand). VCF-style: chrX-47576139-T-C. GRCh37 (hg19) VCF-style: chrX-47435538-T-C.
Other names: c.1150A>G, p.Ile384Val (NM_133499.2); short protein forms I384V.
Identifiers: ClinVar variation 856395 (VCV000856395.11), dbSNP rs772936641, ClinGen allele CA10398406.
Genomic context (GRCh38, chrX:47,576,139, plus strand): 5'-CTGCCTGGCATCTGTTCCTCCCTCTACCCCACCTACCCCTGGGTGCTCATACCTCAATGA[T>C]GTGATCCCTTCCGTCCTTGCCATGTAGCGCTTCCACTGCGCAGATGTCCAGTCCCCCAAA-3'
Protein context (NP_008881.2, residues 374-394): ALHGKDGRDH[Ile384Val]IEVVGSSMPL